The following is an entry in ClinVar:

NM_000548.5(TSC2):c.1960G>A (p.Gly654Ser)

Gene: TSC2 (TSC complex subunit 2; plus strand). Cytogenetic location: 16p13.3.
Variant type: single nucleotide variant.
Coding change: c.1960G>A on transcript NM_000548.5 (MANE Select); coding-DNA position 1960, G replaced by A.
Protein change: p.Gly654Ser; replaces glycine 654 with serine.
Molecular consequence: missense variant.
Genome position (GRCh38, 1-based): chr16:2,071,797, G>A. VCF-style: chr16-2071797-G-A. GRCh37 (hg19) VCF-style: chr16-2121798-G-A.
Other names: c.1960G>A, p.Gly654Ser (NM_001077183.3, NM_001114382.3, NM_001363528.2 and 3 more transcripts); c.1849G>A, p.Gly617Ser (NM_001318827.2); c.1813G>A, p.Gly605Ser (NM_001318829.2); c.1360G>A, p.Gly454Ser (NM_001318831.2); c.1993G>A, p.Gly665Ser (NM_001318832.2); short protein forms G654S, G454S, G617S, G665S, G605S.
Identifiers: ClinVar variation 486638 (VCV000486638.14), dbSNP rs397515114, ClinGen allele CA276737597.

ClinVar aggregate classification (germline): Uncertain significance. Review status: criteria provided, multiple submitters, no conflicts (2 of 4 stars). 3 submissions from 3 submitters: Uncertain significance (3). Last evaluated 2024-03-05.

Conditions:
Hereditary cancer-predisposing syndrome. Also called: Tumor predisposition; Neoplastic Syndromes, Hereditary; Hereditary Cancer Syndrome; Hereditary neoplastic syndrome. Identifiers: Orphanet 140162, MedGen C0027672, MeSH D009386, MONDO:0015356.
Tuberous sclerosis 2 (TSC2). Identifiers: Orphanet 805, MedGen C1860707, MONDO:0013199, OMIM 613254.

Submissions (3):

Ambry Genetics
Classification: Uncertain significance for Hereditary cancer-predisposing syndrome. Last evaluated: 2024-03-05. Review status: criteria provided, single submitter. Criteria: Ambry Variant Classification Scheme 2023. Collection method: clinical testing. Allele origin: germline.
Comment: The p.G654S variant (also known as c.1960G>A), located in coding exon 18 of the TSC2 gene, results from a G to A substitution at nucleotide position 1960. The glycine at codon 654 is replaced by serine, an amino acid with similar properties. This amino acid position is not well conserved in available vertebrate species. In addition, this alteration is predicted to be tolerated by in silico analysis. Since supporting evidence is limited at this time, the clinical significance of this alteration remains unclear.

Labcorp Genetics (formerly Invitae), Labcorp
Classification: Uncertain significance for Tuberous sclerosis 2. Last evaluated: 2023-05-17. Review status: criteria provided, single submitter. Criteria: Invitae Variant Classification Sherloc (09022015). Collection method: clinical testing. Allele origin: germline.
Comment: In summary, the available evidence is currently insufficient to determine the role of this variant in disease. Therefore, it has been classified as a Variant of Uncertain Significance. Advanced modeling of protein sequence and biophysical properties (such as structural, functional, and spatial information, amino acid conservation, physicochemical variation, residue mobility, and thermodynamic stability) performed at Invitae indicates that this missense variant is not expected to disrupt TSC2 protein function. ClinVar contains an entry for this variant (Variation ID: 486638). This variant has not been reported in the literature in individuals affected with TSC2-related conditions. This variant is not present in population databases (gnomAD no frequency). This sequence change replaces glycine, which is neutral and non-polar, with serine, which is neutral and polar, at codon 654 of the TSC2 protein (p.Gly654Ser).

Genome-Nilou Lab
Classification: Uncertain significance for Tuberous sclerosis 2. Last evaluated: 2021-11-07. Review status: criteria provided, single submitter. Criteria: ACMG Guidelines, 2015. Collection method: clinical testing. Allele origin: germline. Affected: no.